The following is an entry in ClinVar:

NM_001164462.2(MUC12):c.5151C>T (p.His1717=)

Gene: MUC12 (mucin 12, cell surface associated; plus strand). Cytogenetic location: 7q22.1.
Variant type: single nucleotide variant.
Coding change: c.5151C>T on transcript NM_001164462.2 (MANE Select); coding-DNA position 5151, C replaced by T.
Protein change: p.His1717=; no amino-acid change (histidine 1717 retained).
Molecular consequence: synonymous variant.
Genome position (GRCh38, 1-based): chr7:100,995,714, C>T. VCF-style: chr7-100995714-C-T. GRCh37 (hg19) VCF-style: chr7-100638995-C-T.
Identifiers: ClinVar variation 2657813 (VCV002657813.24), dbSNP rs373887154, ClinGen allele CA4399679.

ClinVar aggregate classification (germline): Likely benign (1 of 4 stars; one submission).

Allele frequency attached by ClinVar (database versions not stated): 1000 Genomes Project 30x 0.00203; 1000 Genomes Project 0.00220.
gnomAD v4.1: 1,341 of 1,536,872 alleles (0.087%); highest among the groups gnomAD compares: South Asian, 0.88%; 13 homozygotes.

Submission:

CeGaT Center for Human Genetics Tuebingen
Classification: Likely benign. Last evaluated: 2024-07-01. Review status: criteria provided, single submitter. Criteria: CeGaT Center For Human Genetics Tuebingen Variant Classification Criteria Version 2. Collection method: clinical testing. Allele origin: germline. Affected: yes. Observed: 2 variant alleles.
Comment: MUC12: BP4, BP7, BS2